The following is an entry in ClinVar:

ClinVar aggregate classification (germline): Uncertain significance (1 of 4 stars; one submission).

Submission:

Labcorp Genetics (formerly Invitae), Labcorp
Classification: Uncertain significance. Last evaluated: 2024-02-17. Review status: criteria provided, single submitter. Criteria: Invitae Variant Classification Sherloc (09022015). Collection method: clinical testing. Allele origin: germline.
Comment: This sequence change replaces leucine, which is neutral and non-polar, with proline, which is neutral and non-polar, at codon 190 of the TUBGCP6 protein (p.Leu190Pro). This variant is not present in population databases (gnomAD no frequency). This variant has not been reported in the literature in individuals affected with TUBGCP6-related conditions. An algorithm developed to predict the effect of missense changes on protein structure and function (PolyPhen-2) suggests that this variant is likely to be disruptive. In summary, the available evidence is currently insufficient to determine the role of this variant in disease. Therefore, it has been classified as a Variant of Uncertain Significance.

NM_020461.4(TUBGCP6):c.569T>C (p.Leu190Pro)

Gene: TUBGCP6 (tubulin gamma complex component 6; minus strand). Cytogenetic location: 22q13.33.
Variant type: single nucleotide variant.
Coding change: c.569T>C on transcript NM_020461.4 (MANE Select); coding-DNA position 569, T replaced by C.
Protein change: p.Leu190Pro; replaces leucine 190 with proline.
Molecular consequence: missense variant.
Genome position (GRCh38, 1-based): chr22:50,243,891, A>G on the plus strand (T>C on the coding strand, the complement: TUBGCP6 is on the minus strand). VCF-style: chr22-50243891-A-G. GRCh37 (hg19) VCF-style: chr22-50682320-A-G.
Other names: short protein forms L190P.
Identifiers: ClinVar variation 3684704 (VCV003684704.2).